The following is an entry in ClinVar:

NM_000277.3(PAH):c.193A>G (p.Ile65Val)

Gene: PAH (phenylalanine hydroxylase; minus strand). Cytogenetic location: 12q23.2.
Variant type: single nucleotide variant.
Coding change: c.193A>G on transcript NM_000277.3 (MANE Select); coding-DNA position 193, A replaced by G.
Protein change: p.Ile65Val; replaces isoleucine 65 with valine.
Molecular consequence: missense variant.
Genome position (GRCh38, 1-based): chr12:102,894,894, T>C on the plus strand (A>G on the coding strand, the complement: PAH is on the minus strand). VCF-style: chr12-102894894-T-C. GRCh37 (hg19) VCF-style: chr12-103288672-T-C.
Other names: NM_000277.2(PAH):c.193A>G; c.193A>G, p.Ile65Val (NM_001354304.2); short protein forms I65V.
Identifiers: ClinVar variation 102622 (VCV000102622.11), dbSNP rs199475643, ClinGen allele CA229478.

ClinVar aggregate classification (germline): Pathogenic. Review status: reviewed by expert panel (3 of 4 stars). 5 submissions from 5 submitters: Pathogenic (1). 4 of the submissions do not count toward it. Last evaluated 2022-06-28.

Conditions:
Phenylketonuria (PKU). Also called: Phenylketonuria (PKU); FOLLING DISEASE; OLIGOPHRENIA PHENYLPYRUVICA; Phenylketonurias. Identifiers: Orphanet 716, MedGen C0031485, MONDO:0009861, OMIM 261600. Disease mechanism: loss of function.

Allele frequency attached by ClinVar (database versions not stated): ExAC 0.00001; gnomAD exomes below 0.00001 and 0.00001.
gnomAD v4.1: 2 of 1,613,850 alleles (0.00012%); highest among the groups gnomAD compares: South Asian, 0.0011%; no homozygotes.

Submissions (5):

ClinGen PAH Variant Curation Expert Panel
Classification: Pathogenic for Phenylketonuria. Last evaluated: 2022-06-28. Review status: reviewed by expert panel. Criteria: ClinGen PAH ACMG Specifications v1. Collection method: curation. Allele origin: germline. Inheritance: Autosomal recessive inheritance.
Comment: The c.193A>G (p.Ile65Val) variant in PAH has been reported in multiple individuals with mild PKU and mild hyperphenylalaninaemia (BH4 deficiency excluded). (PP4_Moderate; PMID: 12501224). This variant is at extremely low frequency: gnomAD MAF 0.00003 (PM2). This variant was detected with multiple pathogenic variants: p.R261Q, IVS12+1G>A (PMID: 12501224); c.168+5G>C (PMID: 22526846); p.Y386C (PMID: 26210745); p.EX6-96A>G (PMID: 30050108). Multiple lines of computational evidence support a deleterious effect (PP3). Another missense change at the same amino acid residue is pathogenic (p.Ile65Thr). In summary, this variant meets criteria to be classified as pathogenic for PAH. PAH-specific ACMG/AMP criteria applied: PP4_Moderate, PM2, PM3_strong, PM5, PP3.

Labcorp Genetics (formerly Invitae), Labcorp
Classification: Pathogenic for Phenylketonuria. Last evaluated: 2023-11-10. Review status: criteria provided, single submitter. Criteria: Invitae Variant Classification Sherloc (09022015). Collection method: clinical testing. Allele origin: germline. Not counted in ClinVar's aggregate classification.
Comment: This sequence change replaces isoleucine, which is neutral and non-polar, with valine, which is neutral and non-polar, at codon 65 of the PAH protein (p.Ile65Val). This variant is present in population databases (rs199475643, gnomAD 0.003%). This missense change has been observed in individual(s) with clinical features of PAH-related conditions (PMID: 12501224, 12655553, 17935162, 22526846, 23357515, 23792259, 26210745, 26503515; Invitae). ClinVar contains an entry for this variant (Variation ID: 102622). Advanced modeling of protein sequence and biophysical properties (such as structural, functional, and spatial information, amino acid conservation, physicochemical variation, residue mobility, and thermodynamic stability) performed at Invitae indicates that this missense variant is not expected to disrupt PAH protein function with a negative predictive value of 80%. This variant disrupts the p.Ile65 amino acid residue in PAH. Other variant(s) that disrupt this residue have been determined to be pathogenic (PMID: 12655546, 23500595, 25596310; Invitae). This suggests that this residue is clinically significant, and that variants that disrupt this residue are likely to be disease-causing. For these reasons, this variant has been classified as Pathogenic.

Baylor Genetics
Classification: Pathogenic for Phenylketonuria. Last evaluated: 2023-09-19. Review status: criteria provided, single submitter. Criteria: ACMG Guidelines, 2015. Collection method: clinical testing. Allele origin: unknown. Not counted in ClinVar's aggregate classification.

Fulgent Genetics
Classification: Pathogenic for Phenylketonuria. Last evaluated: 2022-04-19. Review status: criteria provided, single submitter. Criteria: ACMG Guidelines, 2015. Collection method: clinical testing. Allele origin: unknown. Not counted in ClinVar's aggregate classification.

DeBelle Laboratory for Biochemical Genetics, MUHC/MCH RESEARCH INSTITUTE
No classification provided. Review status: no classification provided. Collection method: not provided. Allele origin: not provided. Not counted in ClinVar's aggregate classification.

Literature cited by the submitters: PubMed 12501224 (cited by Labcorp Genetics (formerly Invitae), Labcorp); PubMed 12655553 (cited by Labcorp Genetics (formerly Invitae), Labcorp); PubMed 17935162 (cited by Labcorp Genetics (formerly Invitae), Labcorp); PubMed 22526846 (cited by Labcorp Genetics (formerly Invitae), Labcorp); PubMed 23357515 (cited by Labcorp Genetics (formerly Invitae), Labcorp); PubMed 23792259 (cited by Labcorp Genetics (formerly Invitae), Labcorp); PubMed 26210745 (cited by Labcorp Genetics (formerly Invitae), Labcorp); PubMed 26503515 (cited by Labcorp Genetics (formerly Invitae), Labcorp); PubMed 12655546 (cited by Labcorp Genetics (formerly Invitae), Labcorp); PubMed 23500595 (cited by Labcorp Genetics (formerly Invitae), Labcorp); PubMed 25596310 (cited by Labcorp Genetics (formerly Invitae), Labcorp).